The following is an entry in ClinVar:

ClinVar aggregate classification (germline): Uncertain significance (1 of 4 stars; one submission).

gnomAD v4.1: 19 of 1,596,234 alleles (0.0012%); highest among the groups gnomAD compares: East Asian, 0.0045%; no homozygotes.

Submission:

Labcorp Genetics (formerly Invitae), Labcorp
Classification: Uncertain significance. Last evaluated: 2024-09-14. Review status: criteria provided, single submitter. Criteria: Invitae Variant Classification Sherloc (09022015). Collection method: clinical testing. Allele origin: germline.
Comment: This sequence change replaces proline, which is neutral and non-polar, with leucine, which is neutral and non-polar, at codon 141 of the COL9A3 protein (p.Pro141Leu). The frequency data for this variant in the population databases is considered unreliable, as metrics indicate poor data quality at this position in the gnomAD database. This variant has not been reported in the literature in individuals affected with COL9A3-related conditions. ClinVar contains an entry for this variant (Variation ID: 1483417). Experimental studies and prediction algorithms are not available or were not evaluated, and the functional significance of this variant is currently unknown. In summary, the available evidence is currently insufficient to determine the role of this variant in disease. Therefore, it has been classified as a Variant of Uncertain Significance.

NM_001853.4(COL9A3):c.422C>T (p.Pro141Leu)

Gene: COL9A3 (collagen type IX alpha 3 chain; plus strand). Cytogenetic location: 20q13.33.
Variant type: single nucleotide variant.
Coding change: c.422C>T on transcript NM_001853.4 (MANE Select); coding-DNA position 422, C replaced by T.
Protein change: p.Pro141Leu; replaces proline 141 with leucine.
Molecular consequence: missense variant.
Genome position (GRCh38, 1-based): chr20:62,821,809, C>T. VCF-style: chr20-62821809-C-T. GRCh37 (hg19) VCF-style: chr20-61453161-C-T.
Other names: short protein forms P141L.
Identifiers: ClinVar variation 1483417 (VCV001483417.6), dbSNP rs141879928, ClinGen allele CA9949243.